The following is an entry in ClinVar:

ClinVar aggregate classification (germline): Uncertain significance. Review status: criteria provided, multiple submitters, no conflicts (2 of 4 stars). 2 submissions from 2 submitters: Uncertain significance (2). Last evaluated 2024-11-15.

Conditions:
POLD1-related polyposis and colorectal cancer syndrome (CRCS10). Also called: COLORECTAL CANCER, SUSCEPTIBILITY TO, ON CHROMOSOME 19q; Colorectal cancer 10; Colorectal cancer, susceptibility to, 10. Identifiers: Orphanet 220460, MedGen C2675481, MONDO:0012953, OMIM 612591.
Hereditary cancer-predisposing syndrome. Also called: Neoplastic Syndromes, Hereditary; Tumor predisposition; Hereditary neoplastic syndrome; Hereditary Cancer Syndrome. Identifiers: Orphanet 140162, MedGen C0027672, MeSH D009386, MONDO:0015356.

Allele frequency attached by ClinVar (database versions not stated): gnomAD exomes below 0.00001; TOPMed below 0.00001.

Submissions (2):

Labcorp Genetics (formerly Invitae), Labcorp
Classification: Uncertain significance for POLD1-related polyposis and colorectal cancer syndrome. Last evaluated: 2024-11-15. Review status: criteria provided, single submitter. Criteria: Invitae Variant Classification Sherloc (09022015). Collection method: clinical testing. Allele origin: germline.
Comment: This sequence change replaces phenylalanine, which is neutral and non-polar, with valine, which is neutral and non-polar, at codon 436 of the POLD1 protein (p.Phe436Val). This variant is present in population databases (no rsID available, gnomAD 0.006%). This variant has not been reported in the literature in individuals affected with POLD1-related conditions. ClinVar contains an entry for this variant (Variation ID: 1769535). Invitae Evidence Modeling of protein sequence and biophysical properties (such as structural, functional, and spatial information, amino acid conservation, physicochemical variation, residue mobility, and thermodynamic stability) indicates that this missense variant is not expected to disrupt POLD1 protein function with a negative predictive value of 80%. RNA analysis performed to evaluate the impact of this missense change on mRNA splicing indicates it does not significantly alter splicing (internal data). In summary, the available evidence is currently insufficient to determine the role of this variant in disease. Therefore, it has been classified as a Variant of Uncertain Significance.

Ambry Genetics
Classification: Uncertain significance for Hereditary cancer-predisposing syndrome. Last evaluated: 2024-10-05. Review status: criteria provided, single submitter. Criteria: Ambry Variant Classification Scheme 2023. Collection method: clinical testing. Allele origin: germline.
Comment: The p.F436V variant (also known as c.1306T>G), located in coding exon 10 of the POLD1 gene, results from a T to G substitution at nucleotide position 1306. The phenylalanine at codon 436 is replaced by valine, an amino acid with highly similar properties. This amino acid position is conserved. In addition, this alteration is predicted to be tolerated by in silico analysis. Since supporting evidence is limited at this time, the clinical significance of this alteration remains unclear.

NM_002691.4(POLD1):c.1306T>G (p.Phe436Val)

Gene: POLD1 (DNA polymerase delta 1, catalytic subunit; plus strand). Cytogenetic location: 19q13.33.
Variant type: single nucleotide variant.
Coding change: c.1306T>G on transcript NM_002691.4 (MANE Select); coding-DNA position 1306, T replaced by G.
Protein change: p.Phe436Val; replaces phenylalanine 436 with valine.
Molecular consequence: missense variant. On other transcripts: non-coding transcript variant (1).
Genome position (GRCh38, 1-based): chr19:50,406,245, T>G. VCF-style: chr19-50406245-T-G. GRCh37 (hg19) VCF-style: chr19-50909502-T-G.
Other names: c.1306T>G, p.Phe436Val (NM_001256849.1, NM_001308632.1); short protein forms F436V.
Identifiers: ClinVar variation 1769535 (VCV001769535.8), dbSNP rs1322870100, ClinGen allele CA406979835.